The following is an entry in ClinVar:

ClinVar aggregate classification (germline): Uncertain significance. Review status: criteria provided, multiple submitters, no conflicts (2 of 4 stars). 3 submissions from 3 submitters: Uncertain significance (2). 1 of the submissions does not count toward it. Last evaluated 2024-03-20.

Conditions:
CCDC88C-related disorder. Also called: CCDC88C-Related Disorders; CCDC88C-related condition.

Allele frequency attached by ClinVar (database versions not stated): gnomAD 0.00001; gnomAD exomes 0.00001; TOPMed 0.00001.
gnomAD v4.1: 11 of 1,613,778 alleles (0.00068%); highest among the groups gnomAD compares: Admixed American, 0.0067%; no homozygotes.

Submissions (3):

GeneDx
Classification: Uncertain significance. Last evaluated: 2024-03-20. Review status: criteria provided, single submitter. Criteria: GeneDx Variant Classification Process June 2021. Collection method: clinical testing. Allele origin: germline. Affected: yes.
Comment: In silico analysis supports that this missense variant has a deleterious effect on protein structure/function; Has not been previously published as pathogenic or benign to our knowledge

Labcorp Genetics (formerly Invitae), Labcorp
Classification: Uncertain significance. Last evaluated: 2022-08-23. Review status: criteria provided, single submitter. Criteria: Invitae Variant Classification Sherloc (09022015). Collection method: clinical testing. Allele origin: germline.
Comment: This sequence change replaces leucine, which is neutral and non-polar, with phenylalanine, which is neutral and non-polar, at codon 595 of the CCDC88C protein (p.Leu595Phe). This variant is present in population databases (no rsID available, gnomAD 0.009%). This variant has not been reported in the literature in individuals affected with CCDC88C-related conditions. Algorithms developed to predict the effect of missense changes on protein structure and function are either unavailable or do not agree on the potential impact of this missense change (SIFT: "Deleterious"; PolyPhen-2: "Probably Damaging"; Align-GVGD: "Class C0"). In summary, the available evidence is currently insufficient to determine the role of this variant in disease. Therefore, it has been classified as a Variant of Uncertain Significance.

PreventionGenetics, part of Exact Sciences
Classification: Uncertain significance for CCDC88C-related condition. Last evaluated: 2024-05-16. Review status: no assertion criteria provided. Collection method: clinical testing. Allele origin: germline. Not counted in ClinVar's aggregate classification.
Comment: The CCDC88C c.1783C>T variant is predicted to result in the amino acid substitution p.Leu595Phe. To our knowledge, this variant has not been reported in the literature. This variant is reported in 0.0087% of alleles in individuals of Latino descent in gnomAD. At this time, the clinical significance of this variant is uncertain due to the absence of conclusive functional and genetic evidence.

NM_001080414.4(CCDC88C):c.1783C>T (p.Leu595Phe)

Gene: CCDC88C (coiled-coil domain containing 88C; minus strand). Cytogenetic location: 14q32.11.
Variant type: single nucleotide variant.
Coding change: c.1783C>T on transcript NM_001080414.4 (MANE Select); coding-DNA position 1783, C replaced by T.
Protein change: p.Leu595Phe; replaces leucine 595 with phenylalanine.
Molecular consequence: missense variant.
Genome position (GRCh38, 1-based): chr14:91,314,033, G>A on the plus strand (C>T on the coding strand, the complement: CCDC88C is on the minus strand). VCF-style: chr14-91314033-G-A. GRCh37 (hg19) VCF-style: chr14-91780377-G-A.
Other names: c.1783C>T (NM_001080414.3); short protein forms L595F.
Identifiers: ClinVar variation 1924603 (VCV001924603.4), dbSNP rs1366849541, ClinGen allele CA390632952.